The following is an entry in ClinVar:

NM_003331.5(TYK2):c.2026G>A (p.Val676Ile)

Gene: TYK2 (tyrosine kinase 2; minus strand). Cytogenetic location: 19p13.2.
Variant type: single nucleotide variant.
Coding change: c.2026G>A on transcript NM_003331.5 (MANE Select); coding-DNA position 2026, G replaced by A.
Protein change: p.Val676Ile; replaces valine 676 with isoleucine.
Molecular consequence: missense variant.
Genome position (GRCh38, 1-based): chr19:10,361,532, C>T on the plus strand (G>A on the coding strand, the complement: TYK2 is on the minus strand). VCF-style: chr19-10361532-C-T. GRCh37 (hg19) VCF-style: chr19-10472208-C-T.
Other names: c.2026G>A (LRG_121t1); short protein forms V676I.
Identifiers: ClinVar variation 639339 (VCV000639339.13), dbSNP rs868590753, ClinGen allele CA305203910.

ClinVar aggregate classification (germline): Uncertain significance. Review status: criteria provided, multiple submitters, no conflicts (2 of 4 stars). 5 submissions from 5 submitters: Uncertain significance (5). Last evaluated 2025-05-29.

Conditions:
Inborn genetic diseases. Identifiers: MedGen C0950123, MeSH D030342.
Immunodeficiency 35 (IMD35). Also called: HIES WITH ATYPICAL MYCOBACTERIOSIS, AUTOSOMAL RECESSIVE; HYPER-IgE SYNDROME WITH ATYPICAL MYCOBACTERIOSIS, AUTOSOMAL RECESSIVE; TYK2 DEFICIENCY; Susceptibility to infection due to TYK2 deficiency. Identifiers: Orphanet 331226, MedGen C1969086, MONDO:0012682, OMIM 611521.

Allele frequency attached by ClinVar (database versions not stated): gnomAD exomes 0.00002 and 0.00003; gnomAD 0.00003; TOPMed 0.00005.
gnomAD v4.1: 40 of 1,546,458 alleles (0.0026%); highest among the groups gnomAD compares: Middle Eastern, 0.12%; no homozygotes.

Submissions (5):

Ambry Genetics
Classification: Uncertain significance for Inborn genetic diseases. Last evaluated: 2025-05-29. Review status: criteria provided, single submitter. Criteria: Ambry Variant Classification Scheme 2023. Collection method: clinical testing. Allele origin: germline.

Blueprint Genetics
Classification: Uncertain significance. Last evaluated: 2024-10-14. Review status: criteria provided, single submitter. Criteria: ACMG Guidelines, 2015. Collection method: clinical testing. Allele origin: germline.

Labcorp Genetics (formerly Invitae), Labcorp
Classification: Uncertain significance for Immunodeficiency 35. Last evaluated: 2023-07-17. Review status: criteria provided, single submitter. Criteria: Invitae Variant Classification Sherloc (09022015). Collection method: clinical testing. Allele origin: germline.
Comment: This sequence change replaces valine, which is neutral and non-polar, with isoleucine, which is neutral and non-polar, at codon 676 of the TYK2 protein (p.Val676Ile). This variant is present in population databases (no rsID available, gnomAD 0.005%). This variant has not been reported in the literature in individuals affected with TYK2-related conditions. ClinVar contains an entry for this variant (Variation ID: 639339). Advanced modeling of protein sequence and biophysical properties (such as structural, functional, and spatial information, amino acid conservation, physicochemical variation, residue mobility, and thermodynamic stability) performed at Invitae indicates that this missense variant is not expected to disrupt TYK2 protein function. In summary, the available evidence is currently insufficient to determine the role of this variant in disease. Therefore, it has been classified as a Variant of Uncertain Significance.

Fulgent Genetics
Classification: Uncertain significance for Immunodeficiency 35. Last evaluated: 2022-05-12. Review status: criteria provided, single submitter. Criteria: ACMG Guidelines, 2015. Collection method: clinical testing. Allele origin: unknown.

GeneDx
Classification: Uncertain significance. Last evaluated: 2019-11-27. Review status: criteria provided, single submitter. Criteria: GeneDx Variant Classification Process June 2021. Collection method: clinical testing. Allele origin: germline. Affected: yes.
Comment: Located in the protein kinase domain 1; In silico analysis, which includes protein predictors and evolutionary conservation, supports that this variant does not alter protein structure/function; Has not been previously published as pathogenic or benign to our knowledge